The following is an entry in ClinVar:

NM_198334.3(GANAB):c.1998G>C (p.Met666Ile)

Gene: GANAB (glucosidase II alpha subunit; minus strand). Cytogenetic location: 11q12.3.
Variant type: single nucleotide variant.
Coding change: c.1998G>C on transcript NM_198334.3 (MANE Select); coding-DNA position 1998, G replaced by C.
Protein change: p.Met666Ile; replaces methionine 666 with isoleucine.
Molecular consequence: missense variant.
Genome position (GRCh38, 1-based): chr11:62,628,951, C>G on the plus strand (G>C on the coding strand, the complement: GANAB is on the minus strand). VCF-style: chr11-62628951-C-G. GRCh37 (hg19) VCF-style: chr11-62396423-C-G.
Other names: c.1722G>C, p.Met574Ile (NM_001278192.2); c.1656G>C, p.Met552Ile (NM_001278193.2); c.1707G>C, p.Met569Ile (NM_001278194.2, NM_001329222.2, NM_001329223.2); c.1275G>C, p.Met425Ile (NM_001329224.2, NM_001329225.2); c.2064G>C, p.Met688Ile (NM_198335.4); short protein forms M425I, M552I, M569I, M574I, M666I, M688I.
Identifiers: ClinVar variation 1699527 (VCV001699527.4), dbSNP rs767196703, ClinGen allele CA6050594.

ClinVar aggregate classification (germline): Uncertain significance. Review status: criteria provided, multiple submitters, no conflicts (2 of 4 stars). 3 submissions from 3 submitters: Uncertain significance (3). Last evaluated 2025-04-20.

Conditions:
Polycystic kidney disease 3 with or without polycystic liver disease. Also called: POLYCYSTIC KIDNEY DISEASE, ADULT, TYPE III; Polycystic kidney disease 3; Polycystic Kidney and/or Polycystic Liver Disease 3. Identifiers: MedGen C3887964, MONDO:0010916, OMIM 600666.

Allele frequency attached by ClinVar (database versions not stated): gnomAD exomes below 0.00001 and 0.00001; ExAC 0.00001.

Submissions (3):

Labcorp Genetics (formerly Invitae), Labcorp
Classification: Uncertain significance. Last evaluated: 2025-04-20. Review status: criteria provided, single submitter. Criteria: Invitae Variant Classification Sherloc (09022015). Collection method: clinical testing. Allele origin: germline.
Comment: This sequence change replaces methionine, which is neutral and non-polar, with isoleucine, which is neutral and non-polar, at codon 688 of the GANAB protein (p.Met688Ile). This variant is present in population databases (rs767196703, gnomAD 0.0009%). This variant has not been reported in the literature in individuals affected with GANAB-related conditions. ClinVar contains an entry for this variant (Variation ID: 1699527). Invitae Evidence Modeling of protein sequence and biophysical properties (such as structural, functional, and spatial information, amino acid conservation, physicochemical variation, residue mobility, and thermodynamic stability) indicates that this missense variant is not expected to disrupt GANAB protein function with a negative predictive value of 80%. In summary, the available evidence is currently insufficient to determine the role of this variant in disease. Therefore, it has been classified as a Variant of Uncertain Significance.

Fulgent Genetics
Classification: Uncertain significance for Polycystic kidney disease 3 with or without polycystic liver disease. Last evaluated: 2024-04-15. Review status: criteria provided, single submitter. Criteria: ACMG Guidelines, 2015. Collection method: clinical testing. Allele origin: germline.

GeneDx
Classification: Uncertain significance. Last evaluated: 2022-07-29. Review status: criteria provided, single submitter. Criteria: GeneDx Variant Classification Process June 2021. Collection method: clinical testing. Allele origin: germline. Affected: yes.
Comment: Not observed at significant frequency in large population cohorts (gnomAD); In silico analysis supports that this missense variant does not alter protein structure/function; Has not been previously published as pathogenic or benign to our knowledge